The following is an entry in ClinVar:

NM_024577.4(SH3TC2):c.1443C>T (p.Asp481=)

Gene: SH3TC2 (SH3 domain and tetratricopeptide repeats 2; minus strand). Cytogenetic location: 5q32.
Variant type: single nucleotide variant.
Coding change: c.1443C>T on transcript NM_024577.4 (MANE Select); coding-DNA position 1443, C replaced by T.
Protein change: p.Asp481=; no amino-acid change (aspartic acid 481 retained).
Molecular consequence: synonymous variant.
Genome position (GRCh38, 1-based): chr5:149,028,289, G>A on the plus strand (C>T on the coding strand, the complement: SH3TC2 is on the minus strand). VCF-style: chr5-149028289-G-A. GRCh37 (hg19) VCF-style: chr5-148407852-G-A.
Other names: p.Asp481=.
Identifiers: ClinVar variation 215534 (VCV000215534.59), dbSNP rs146666910, ClinGen allele CA335662.

ClinVar aggregate classification (germline): Benign/Likely benign. Review status: criteria provided, multiple submitters, no conflicts (2 of 4 stars). 9 submissions from 9 submitters: Benign (1); Likely benign (8). Last evaluated 2025-12-19.

Conditions:
SH3TC2-related disorder. Also called: SH3TC2-related condition; SH3TC2-related disorders. Identifiers: MedGen CN239303.
Charcot-Marie-Tooth disease type 4. Also called: Charcot-Marie-Tooth disease, type IV; Charcot-Marie-Tooth, Type 4. Identifiers: Orphanet 64749, MedGen C4082197, MONDO:0018995.
Charcot-Marie-Tooth disease. Also called: Charcot-Marie-Tooth Hereditary Neuropathy; Charcot-Marie-Tooth Neuropathy. Identifiers: Orphanet 166, MedGen C0007959, MONDO:0015626.
Inborn genetic diseases. Identifiers: MedGen C0950123, MeSH D030342.

Allele frequency attached by ClinVar (database versions not stated): TOPMed 0.00030; 1000 Genomes Project 30x 0.00031; gnomAD 0.00031 and 0.00032; gnomAD exomes 0.00043 and 0.00060; ExAC 0.00052; ESP Exome Variant Server 0.00054.
gnomAD v4.1: 913 of 1,613,952 alleles (0.057%); highest among the groups gnomAD compares: Non-Finnish European, 0.072%; 1 homozygote.

Submissions (9):

Labcorp Genetics (formerly Invitae), Labcorp
Classification: Benign for Charcot-Marie-Tooth disease type 4. Last evaluated: 2025-12-19. Review status: criteria provided, single submitter. Criteria: Invitae Variant Classification Sherloc (09022015). Collection method: clinical testing. Allele origin: germline.

Mayo Clinic Laboratories, Mayo Clinic
Classification: Likely benign. Last evaluated: 2025-06-04. Review status: criteria provided, single submitter. Criteria: ACMG Guidelines, 2015. Collection method: clinical testing. Allele origin: germline. Observed: 6 variant alleles.
Comment: BP4, BP7

PreventionGenetics, part of Exact Sciences
Classification: Likely benign for SH3TC2-related condition. Last evaluated: 2025-03-26. Review status: criteria provided, single submitter. Criteria: ACMG Guidelines, 2015. Collection method: clinical testing. Allele origin: germline.
Comment: This variant is classified as likely benign based on ACMG/AMP sequence variant interpretation guidelines (Richards et al. 2015 PMID: 25741868, with internal and published modifications).

Blueprint Genetics
Classification: Likely benign. Last evaluated: 2024-11-15. Review status: criteria provided, single submitter. Criteria: ACMG Guidelines, 2015. Collection method: clinical testing. Allele origin: germline.

CeGaT Center for Human Genetics Tuebingen
Classification: Likely benign. Last evaluated: 2024-06-01. Review status: criteria provided, single submitter. Criteria: CeGaT Center For Human Genetics Tuebingen Variant Classification Criteria Version 2. Collection method: clinical testing. Allele origin: germline. Affected: yes. Observed: 4 variant alleles.
Comment: SH3TC2: BP4, BS1

ARUP Laboratories, Molecular Genetics and Genomics, ARUP Laboratories
Classification: Likely benign. Last evaluated: 2023-11-09. Review status: criteria provided, single submitter. Criteria: ARUP Molecular Germline Variant Investigation Process 2024. Collection method: clinical testing. Allele origin: germline.

GeneDx
Classification: Likely benign. Last evaluated: 2020-11-23. Review status: criteria provided, single submitter. Criteria: GeneDx Variant Classification Process June 2021. Collection method: clinical testing. Allele origin: germline. Affected: yes.

Ambry Genetics
Classification: Likely benign for Inborn genetic diseases. Last evaluated: 2019-07-11. Review status: criteria provided, single submitter. Criteria: Ambry Variant Classification Scheme 2023. Collection method: clinical testing. Allele origin: germline.

Molecular Genetics Laboratory, London Health Sciences Centre
Classification: Likely benign for Charcot-Marie-Tooth disease. Review status: criteria provided, single submitter. Criteria: ACMG Guidelines, 2015. Collection method: clinical testing. Allele origin: germline. Affected: yes.